The following is an entry in ClinVar:

ClinVar aggregate classification (germline): Uncertain significance. Review status: criteria provided, multiple submitters, no conflicts (2 of 4 stars). 2 submissions from 2 submitters: Uncertain significance (2). Last evaluated 2024-05-12.

Conditions:
Loeys-Dietz syndrome 2 (LDS2). Also called: AORTIC ANEURYSM, FAMILIAL THORACIC 3; MARFAN SYNDROME, TYPE II; Marfan syndrome, type 2 (formerly); TGFBR2-Related Loeys-Dietz Syndrome; Marfan Syndrome type 2; Marfan like connective tissue disorder. Identifiers: Orphanet 284973, Orphanet 558, MedGen C2674574, MONDO:0012427, OMIM 610168.

Submissions (2):

GeneDx
Classification: Uncertain significance. Last evaluated: 2024-05-12. Review status: criteria provided, single submitter. Criteria: GeneDx Variant Classification Process June 2021. Collection method: clinical testing. Allele origin: germline. Affected: yes.
Comment: Has not been previously published as pathogenic or benign to our knowledge; Not observed at significant frequency in large population cohorts (gnomAD); Frameshift variant predicted to result in abnormal protein length as the last 322 amino acids are replaced with 16 different amino acids

Labcorp Genetics (formerly Invitae), Labcorp
Classification: Uncertain significance for Loeys-Dietz syndrome 2. Last evaluated: 2022-10-17. Review status: criteria provided, single submitter. Criteria: Invitae Variant Classification Sherloc (09022015). Collection method: clinical testing. Allele origin: germline.
Comment: This sequence change creates a premature translational stop signal (p.Leu373Glyfs*17) in the TMPO gene. While this is not anticipated to result in nonsense mediated decay, it is expected to disrupt the last 322 amino acid(s) of the TMPO protein. This variant is present in population databases (rs745639054, gnomAD 0.02%). This variant has not been reported in the literature in individuals affected with TMPO-related conditions. Experimental studies and prediction algorithms are not available or were not evaluated, and the functional significance of this variant is currently unknown. In summary, the available evidence is currently insufficient to determine the role of this variant in disease. Therefore, it has been classified as a Variant of Uncertain Significance.

NM_001032283.3(TMPO):c.565+1536_565+1543del

Gene: TMPO (thymopoietin; plus strand). Cytogenetic location: 12q23.1.
Variant type: Deletion.
Coding change: c.565+1536_565+1543del on transcript NM_001032283.3 (MANE Select); bases 1536 to 1543 of the intron after coding-DNA position 565, 8 bases deleted (CTTGCCCA; older notation c.565+1536_565+1543delCTTGCCCA).
Molecular consequence: intron variant. On other transcripts: frameshift variant (1).
Genome position (GRCh38, 1-based): chr12:98,533,374-98,533,381, CTTGCCCA deleted; deleting any 8 consecutive bases within chr12:98,533,371-98,533,381 gives the same sequence; the c. name uses the placement nearest the transcript's 3' end. VCF-style (leftmost placement, unchanged base first): chr12-98533370-GCCACTTGC-G. GRCh37 (hg19) VCF-style: chr12-98927148-GCCACTTGC-G.
Other names: c.1117_1124del, p.Leu373fs (NM_003276.2); c.565+1536_565+1543del (NM_001307975.2, NM_001032284.3); short protein forms L373fs.
Identifiers: ClinVar variation 2154903 (VCV002154903.5), dbSNP rs745639054, ClinGen allele CA6732362.